The following is an entry in ClinVar:

NM_012079.6(DGAT1):c.797A>G (p.Asn266Ser)

Gene: DGAT1 (diacylglycerol O-acyltransferase 1; minus strand). Cytogenetic location: 8q24.3.
Variant type: single nucleotide variant.
Coding change: c.797A>G on transcript NM_012079.6 (MANE Select); coding-DNA position 797, A replaced by G.
Protein change: p.Asn266Ser; replaces asparagine 266 with serine.
Molecular consequence: missense variant.
Genome position (GRCh38, 1-based): chr8:144,317,972, T>C on the plus strand (A>G on the coding strand, the complement: DGAT1 is on the minus strand). VCF-style: chr8-144317972-T-C. GRCh37 (hg19) VCF-style: chr8-145541635-T-C.
Other names: short protein forms N266S.
Identifiers: ClinVar variation 420431 (VCV000420431.15), dbSNP rs146196839, ClinGen allele CA4936837.

ClinVar aggregate classification (germline): Conflicting classifications of pathogenicity. Review status: criteria provided, conflicting classifications (1 of 4 stars). 4 submissions from 4 submitters: Uncertain significance (1); Benign (1); Likely benign (1). 1 of the submissions does not count toward it. Last evaluated 2026-02-01.

Conditions:
DGAT1-related disorder. Also called: DGAT1-related condition.

Allele frequency attached by ClinVar (database versions not stated): 1000 Genomes Project 30x 0.00078; 1000 Genomes Project 0.00080; ESP Exome Variant Server 0.00146; gnomAD 0.00151 and 0.00167; TOPMed 0.00171; gnomAD exomes 0.00177; ExAC 0.00199.
gnomAD v4.1: 2,233 of 1,519,488 alleles (0.15%); highest among the groups gnomAD compares: Middle Eastern, 1.4%; 11 homozygotes.

Submissions (4):

Labcorp Genetics (formerly Invitae), Labcorp
Classification: Benign. Last evaluated: 2026-02-01. Review status: criteria provided, single submitter. Criteria: Invitae Variant Classification Sherloc (09022015). Collection method: clinical testing. Allele origin: germline.

GeneDx
Classification: Uncertain significance. Last evaluated: 2024-12-19. Review status: criteria provided, single submitter. Criteria: GeneDx Variant Classification Process June 2021. Collection method: clinical testing. Allele origin: germline. Affected: yes.
Comment: In silico analysis supports that this missense variant has a deleterious effect on protein structure/function; Has not been previously published as pathogenic or benign to our knowledge

Blueprint Genetics
Classification: Likely benign. Last evaluated: 2024-11-20. Review status: criteria provided, single submitter. Criteria: ACMG Guidelines, 2015. Collection method: clinical testing. Allele origin: germline.

PreventionGenetics, part of Exact Sciences
Classification: Benign for DGAT1-related condition. Last evaluated: 2019-07-23. Review status: no assertion criteria provided. Collection method: clinical testing. Allele origin: germline. Not counted in ClinVar's aggregate classification.
Comment: This variant is classified as benign based on ACMG/AMP sequence variant interpretation guidelines (Richards et al. 2015 PMID: 25741868, with internal and published modifications).